The following is an entry in ClinVar:

ClinVar aggregate classification (germline): Conflicting classifications of pathogenicity. Review status: criteria provided, conflicting classifications (1 of 4 stars). 5 submissions from 5 submitters: Uncertain significance (2); Likely benign (1). 2 of the submissions do not count toward it. Last evaluated 2026-04-01.

Conditions:
Cystinuria (CSNU). Also called: CYSTINURIA, TYPE I; CYSTINURIA, TYPE II; CYSTINURIA, TYPE III; Cystinuria, non-type I. Identifiers: Orphanet 214, MedGen C0010691, MONDO:0009067, OMIM 220100, HP:0003131.
SLC3A1-related disorder. Also called: SLC3A1-related condition.

Allele frequency attached by ClinVar (database versions not stated): ExAC 0.00046; ESP Exome Variant Server 0.00046; gnomAD exomes 0.00055; TOPMed 0.00089; gnomAD 0.00073 and 0.00072; 1000 Genomes Project 0.00140; 1000 Genomes Project 30x 0.00141.
gnomAD v4.1: 686 of 1,609,964 alleles (0.043%); highest among the groups gnomAD compares: Admixed American, 0.25%; no homozygotes.

Submissions (5):

GeneDx
Classification: Uncertain significance. Last evaluated: 2026-04-01. Review status: criteria provided, single submitter. Criteria: GeneDx Variant Classification Process June 2021. Collection method: clinical testing. Allele origin: germline.
Comment: In silico analysis supports that this missense variant has a deleterious effect on protein structure/function; Has not been previously published as pathogenic or benign in association with SLC3A1-related disorders to our knowledge; This variant is associated with the following publications: (PMID: 25356899)

Labcorp Genetics (formerly Invitae), Labcorp
Classification: Likely benign for Cystinuria. Last evaluated: 2025-12-15. Review status: criteria provided, single submitter. Criteria: Invitae Variant Classification Sherloc (09022015). Collection method: clinical testing. Allele origin: germline.

Illumina Laboratory Services, Illumina
Classification: Uncertain significance for Cystinuria. Last evaluated: 2018-01-12. Review status: criteria provided, single submitter. Criteria: ICSL Variant Classification Criteria 13 December 2019. Collection method: clinical testing. Allele origin: germline.

PreventionGenetics, part of Exact Sciences
Classification: Likely benign for SLC3A1-related condition. Last evaluated: 2024-08-07. Review status: no assertion criteria provided. Collection method: clinical testing. Allele origin: germline. Not counted in ClinVar's aggregate classification.
Comment: This variant is classified as likely benign based on ACMG/AMP sequence variant interpretation guidelines (Richards et al. 2015 PMID: 25741868, with internal and published modifications).

Department of Pathology and Laboratory Medicine, Sinai Health System
Classification: Uncertain significance. Review status: no assertion criteria provided. Collection method: clinical testing. Allele origin: unknown. Affected: yes. Study: The Canadian Open Genetics Repository (COGR). Not counted in ClinVar's aggregate classification.
Comment: The SLC3A1 p.Gly376Ser variant was not identified in the literature nor was it identified in ClinVar, Cosmic or LOVD 3.0. The variant was identified in dbSNP (ID: rs143068960) and in control databases in 149 of 280584 chromosomes at a frequency of 0.000531 increasing the likelihood this could be a low frequency benign variant (Genome Aggregation Database Feb 27, 2017). The variant was observed in the following populations: Latino in 76 of 35352 chromosomes (freq: 0.00215), Other in 9 of 7180 chromosomes (freq: 0.001253), African in 10 of 23872 chromosomes (freq: 0.000419), European (non-Finnish) in 51 of 128276 chromosomes (freq: 0.000398), European (Finnish) in 2 of 25016 chromosomes (freq: 0.00008) and East Asian in 1 of 19948 chromosomes (freq: 0.00005), while the variant was not observed in the Ashkenazi Jewish or South Asian populations. The p.Gly376 residue is conserved in mammals and computational analyses (PolyPhen-2, SIFT, AlignGVGD, BLOSUM, MutationTaster) provide inconsistent predictions regarding the impact to the protein; this information is not very predictive of pathogenicity. The variant occurs outside of the splicing consensus sequence and in silico or computational prediction software programs (SpliceSiteFinder, MaxEntScan, NNSPLICE, GeneSplicer) do not predict a difference in splicing. In summary, based on the above information the clinical significance of this variant cannot be determined with certainty at this time. This variant is classified as a variant of uncertain significance.

NM_000341.4(SLC3A1):c.1126G>A (p.Gly376Ser)

Gene: SLC3A1 (solute carrier family 3 member 1; plus strand). Cytogenetic location: 2p21.
Variant type: single nucleotide variant.
Coding change: c.1126G>A on transcript NM_000341.4 (MANE Select); coding-DNA position 1126, G replaced by A.
Protein change: p.Gly376Ser; replaces glycine 376 with serine.
Molecular consequence: missense variant.
Genome position (GRCh38, 1-based): chr2:44,301,117, G>A. VCF-style: chr2-44301117-G-A. GRCh37 (hg19) VCF-style: chr2-44528256-G-A.
Other names: short protein forms G376S.
Identifiers: ClinVar variation 785828 (VCV000785828.17), dbSNP rs143068960, ClinGen allele CA1640421.
Genomic context (GRCh38, chr2:44,301,117, plus strand): 5'-GGAATGCACGACATTGTCCGCAGCTTCCGGCAGACCATGGACCAATACAGCACGGAGCCC[G>A]GCAGATACAGGTTGACCACGGCATATGCTCTCATTTCTTCCCAGGCTTAGTGTGTGATCT-3'
Protein context (NP_000332.2, residues 366-386): QTMDQYSTEP[Gly376Ser]RYRFMGTEAY